The following is an entry in ClinVar:

NM_004268.5(MED17):c.1582C>T (p.Gln528Ter)

Gene: MED17 (mediator complex subunit 17; plus strand). Cytogenetic location: 11q21.
Variant type: single nucleotide variant.
Coding change: c.1582C>T on transcript NM_004268.5 (MANE Select); coding-DNA position 1582, C replaced by T.
Protein change: p.Gln528Ter; replaces glutamine 528 with a stop codon.
Molecular consequence: nonsense.
Genome position (GRCh38, 1-based): chr11:93,807,633, C>T. VCF-style: chr11-93807633-C-T. GRCh37 (hg19) VCF-style: chr11-93540799-C-T.
Other names: c.1582C>T (NM_004268.4); short protein forms Q528*.
Identifiers: ClinVar variation 1072022 (VCV001072022.6), dbSNP rs372113766, ClinGen allele CA6232654.
Genomic context (GRCh38, chr11:93,807,633, plus strand): 5'-GATGGAAGAGTAATTACACTGTCTTATCAGGAGCAGGAGCTACAGGATTTTCTTCTGTCT[C>T]AGGTAACAGTTGCAGATTTTGTCTTAAGCCCCCTTCTTCGCATAGCTACTTAAAGAACAA-3'

ClinVar aggregate classification (germline): Pathogenic/Likely pathogenic. Review status: criteria provided, multiple submitters, no conflicts (2 of 4 stars). 2 submissions from 2 submitters: Pathogenic (1); Likely pathogenic (1). Last evaluated 2025-12-08.

Conditions:
Infantile cerebral and cerebellar atrophy with postnatal progressive microcephaly (MSBA). Identifiers: Orphanet 402364, MedGen C3150921, MONDO:0013351, OMIM 613668.

Allele frequency attached by ClinVar (database versions not stated): gnomAD exomes 0.00001; TOPMed 0.00001; ExAC 0.00002; ESP Exome Variant Server 0.00015.
gnomAD v4.1: 3 of 1,574,456 alleles (0.00019%); highest among the groups gnomAD compares: Non-Finnish European, 0.00026%; no homozygotes.

Submissions (2):

Natera, Inc.
Classification: Likely pathogenic for Postnatal progressive microcephaly with seizures and brain atrophy. Last evaluated: 2025-12-08. Review status: criteria provided, single submitter. Criteria: Natera Variant Classification Schema (03/2026). Collection method: clinical testing. Allele origin: germline.
Comment: The c.1582C>T variant in MED17 is a nonsense variant predicted to introduce a stop codon at amino acid 528. This variant is expected to result in nonsense mediated decay, truncation, or a dysfunctional protein product. This variant is rare in the general population with a frequency below the threshold expected for the associated phenotype(s). Given the available evidence, this variant is classified as Likely Pathogenic.

Labcorp Genetics (formerly Invitae), Labcorp
Classification: Pathogenic. Last evaluated: 2023-11-19. Review status: criteria provided, single submitter. Criteria: Invitae Variant Classification Sherloc (09022015). Collection method: clinical testing. Allele origin: germline.
Comment: This sequence change creates a premature translational stop signal (p.Gln528*) in the MED17 gene. It is expected to result in an absent or disrupted protein product. Loss-of-function variants in MED17 are known to be pathogenic (PMID: 20950787, 26004231, 30345598). This variant is present in population databases (rs372113766, gnomAD 0.002%). This variant has not been reported in the literature in individuals affected with MED17-related conditions. ClinVar contains an entry for this variant (Variation ID: 1072022). Algorithms developed to predict the effect of sequence changes on RNA splicing suggest that this variant may disrupt the consensus splice site. For these reasons, this variant has been classified as Pathogenic.

Literature cited by the submitters: PubMed 20950787 (cited by Labcorp Genetics (formerly Invitae), Labcorp); PubMed 26004231 (cited by Labcorp Genetics (formerly Invitae), Labcorp); PubMed 30345598 (cited by Labcorp Genetics (formerly Invitae), Labcorp).